The following is an entry in ClinVar:

ClinVar aggregate classification (germline): Conflicting classifications of pathogenicity. Review status: criteria provided, conflicting classifications (1 of 4 stars). 3 submissions from 3 submitters: Uncertain significance (1); Likely benign (2). Last evaluated 2026-04-01.

Conditions:
TNRC6B-related disorder. Also called: TNRC6B-related condition.
Global developmental delay with speech and behavioral abnormalities. Identifiers: MedGen C5543226, MONDO:0030995, OMIM 619243.

Allele frequency attached by ClinVar (database versions not stated): gnomAD exomes 0.00017; ExAC 0.00032; ESP Exome Variant Server 0.00050; gnomAD 0.00052; TOPMed 0.00053; 1000 Genomes Project 0.00060; 1000 Genomes Project 30x 0.00078.
gnomAD v4.1: 346 of 1,613,962 alleles (0.021%); highest among the groups gnomAD compares: Middle Eastern, 0.48%; 2 homozygotes.

Submissions (3):

CeGaT Center for Human Genetics Tuebingen
Classification: Likely benign. Last evaluated: 2026-04-01. Review status: criteria provided, single submitter. Criteria: CeGaT Center For Human Genetics Tuebingen Variant Classification Criteria Version 2. Collection method: clinical testing. Allele origin: germline. Affected: yes. Observed: 3 variant alleles.
Comment: TNRC6B: BS1

PreventionGenetics, part of Exact Sciences
Classification: Likely benign for TNRC6B-related condition. Last evaluated: 2025-06-23. Review status: criteria provided, single submitter. Criteria: ACMG Guidelines, 2015. Collection method: clinical testing. Allele origin: germline.
Comment: This variant is classified as likely benign based on ACMG/AMP sequence variant interpretation guidelines (Richards et al. 2015 PMID: 25741868, with internal and published modifications).

Revvity Omics, Revvity
Classification: Uncertain significance for Global developmental delay with speech and behavioral abnormalities. Last evaluated: 2021-10-01. Review status: criteria provided, single submitter. Criteria: ACMG Guidelines, 2015. Collection method: clinical testing. Allele origin: germline.

NM_001162501.2(TNRC6B):c.1268G>T (p.Gly423Val)

Gene: TNRC6B (trinucleotide repeat containing adaptor 6B; plus strand). Cytogenetic location: 22q13.1.
Variant type: single nucleotide variant.
Coding change: c.1268G>T on transcript NM_001162501.2 (MANE Select); coding-DNA position 1268, G replaced by T.
Protein change: p.Gly423Val; replaces glycine 423 with valine.
Molecular consequence: missense variant. On other transcripts: intron variant (1).
Genome position (GRCh38, 1-based): chr22:40,265,498, G>T. VCF-style: chr22-40265498-G-T. GRCh37 (hg19) VCF-style: chr22-40661502-G-T.
Other names: c.1268G>T, p.Gly423Val (NM_015088.3); c.565+3325G>T (NM_001024843.2); c.1268G>T (NM_001162501.1); short protein forms G423V.
Identifiers: ClinVar variation 2437161 (VCV002437161.28), dbSNP rs201057205, ClinGen allele CA10246664.